The following is an entry in ClinVar:

ClinVar aggregate classification (germline): Benign/Likely benign. Review status: criteria provided, multiple submitters, no conflicts (2 of 4 stars). 2 submissions from 2 submitters: Benign (1); Likely benign (1). Last evaluated 2026-06-24.

Conditions:
Retinoblastoma (RB1). Also called: RETINOBLASTOMA, SOMATIC. Identifiers: Orphanet 790, MedGen C0035335, MeSH D012175, MONDO:0008380, OMIM 180200, HP:0009919. Disease mechanism: loss of function. Inheritance: Both sporadic and heritable forms are tested..

Submissions (2):

Myriad Genetics, Inc.
Classification: Benign for Retinoblastoma. Last evaluated: 2026-06-24. Review status: criteria provided, single submitter. Criteria: Myriad Autosomal Dominant, Autosomal Recessive and X-Linked Classification Criteria (2023). Collection method: clinical testing. Allele origin: unknown.
Comment: This variant is considered benign. This variant is a silent/synonymous amino acid change and it is not expected to impact splicing.

Labcorp Genetics (formerly Invitae), Labcorp
Classification: Likely benign for Retinoblastoma. Last evaluated: 2025-04-02. Review status: criteria provided, single submitter. Criteria: Invitae Variant Classification Sherloc (09022015). Collection method: clinical testing. Allele origin: germline.

NM_000321.3(RB1):c.879C>T (p.Phe293=)

Gene: RB1 (RB transcriptional corepressor 1; plus strand). Cytogenetic location: 13q14.2.
Variant type: single nucleotide variant.
Coding change: c.879C>T on transcript NM_000321.3 (MANE Select); coding-DNA position 879, C replaced by T.
Protein change: p.Phe293=; no amino-acid change (phenylalanine 293 retained).
Molecular consequence: synonymous variant.
Genome position (GRCh38, 1-based): chr13:48,364,911, C>T. VCF-style: chr13-48364911-C-T. GRCh37 (hg19) VCF-style: chr13-48939047-C-T.
Identifiers: ClinVar variation 748665 (VCV000748665.8), dbSNP rs775381228, ClinGen allele CA483558005.
Genomic context (GRCh38, chr13:48,364,911, plus strand): 5'-GTTTTAAATTTTAATGATCATGTTGTAACTTCATCTTTTTCAGGTGAAAAATGTTTATTT[C>T]AAAAATTTTATACCTTTTATGAATTCTCTTGGACTTGTAACATCTAATGGACTTCCAGAG-3'
Protein context (NP_000312.2, residues 283-303): CNIDEVKNVY[Phe293=]KNFIPFMNSL